The following is an entry in ClinVar:

NM_004035.7(ACOX1):c.422del (p.Met141fs)

Gene: ACOX1 (acyl-CoA oxidase 1; minus strand). Cytogenetic location: 17q25.1.
Variant type: Deletion.
Coding change: c.422del on transcript NM_004035.7 (MANE Select); coding-DNA position 422, one base deleted (T; older notation c.422delT).
Protein change: p.Met141fs; shifts the reading frame from methionine 141.
Molecular consequence: frameshift variant. On other transcripts: intron variant (1).
Genome position (GRCh38, 1-based): chr17:75,960,223, A deleted on the plus strand (T on the coding strand, the reverse complement: ACOX1 is on the minus strand). VCF-style (leftmost placement, unchanged base first): chr17-75960222-CA-C. GRCh37 (hg19) VCF-style: chr17-73956303-CA-C.
Other names: c.431-2657del (NM_007292.6); c.308del, p.Met103fs (NM_001185039.2); short protein forms M103fs, M141fs.
Identifiers: ClinVar variation 4719445 (VCV004719445.1).

ClinVar aggregate classification (germline): Pathogenic (1 of 4 stars; one submission).

Conditions:
Acyl-CoA oxidase deficiency. Also called: STRAIGHT-CHAIN ACYL-CoA OXIDASE DEFICIENCY; Pseudoneonatal adrenoleukodystrophy; Peroxisomal acyl-CoA oxidase deficiency. Identifiers: Orphanet 2971, MedGen C1849678, MONDO:0009919, OMIM 264470. Disease mechanism: loss of function.

Submission:

Labcorp Genetics (formerly Invitae), Labcorp
Classification: Pathogenic for Acyl-CoA oxidase deficiency. Last evaluated: 2025-05-22. Review status: criteria provided, single submitter. Criteria: Invitae Variant Classification Sherloc (09022015). Collection method: clinical testing. Allele origin: germline.
Comment: This sequence change creates a premature translational stop signal (p.Met141Argfs*30) in the ACOX1 gene. It is expected to result in an absent or disrupted protein product. Loss-of-function variants in ACOX1 are known to be pathogenic (PMID: 8040306, 17458872). This variant is not present in population databases (gnomAD no frequency). This variant has not been reported in the literature in individuals affected with ACOX1-related conditions. For these reasons, this variant has been classified as Pathogenic.

Literature cited by the submitters: PubMed 8040306; PubMed 17458872.